The following is an entry in ClinVar:

ClinVar aggregate classification (germline): Uncertain significance (1 of 4 stars; one submission).

Conditions:
Primary familial hypertrophic cardiomyopathy (HCM). Identifiers: Orphanet 99739, MedGen C0949658, MeSH D024741, MONDO:0024573. Inheritance: Various modes of inheritance.
Dilated cardiomyopathy 1AA (CMD1AA). Also called: Cardiomyopathy, dilated, 1AA, with or without LVNC; CARDIOMYOPATHY, DILATED, 1AA, WITH OR WITHOUT LEFT VENTRICULAR NONCOMPACTION; CARDIOMYOPATHY, FAMILIAL HYPERTROPHIC, 23, WITH OR WITHOUT LEFT VENTRICULAR NONCOMPACTION. Identifiers: Orphanet 154, MedGen C2677338, MONDO:0012808, OMIM 612158.

Submission:

Labcorp Genetics (formerly Invitae), Labcorp
Classification: Uncertain significance for Primary familial hypertrophic cardiomyopathy; Dilated cardiomyopathy 1AA. Last evaluated: 2024-05-13. Review status: criteria provided, single submitter. Criteria: Invitae Variant Classification Sherloc (09022015). Collection method: clinical testing. Allele origin: germline.
Comment: This sequence change replaces proline, which is neutral and non-polar, with arginine, which is basic and polar, at codon 333 of the ACTN2 protein (p.Pro333Arg). This variant is not present in population databases (gnomAD no frequency). This variant has not been reported in the literature in individuals affected with ACTN2-related conditions. ClinVar contains an entry for this variant (Variation ID: 2176038). Advanced modeling of protein sequence and biophysical properties (such as structural, functional, and spatial information, amino acid conservation, physicochemical variation, residue mobility, and thermodynamic stability) performed at Invitae indicates that this missense variant is expected to disrupt ACTN2 protein function with a positive predictive value of 80%. In summary, the available evidence is currently insufficient to determine the role of this variant in disease. Therefore, it has been classified as a Variant of Uncertain Significance.

NM_001103.4(ACTN2):c.998C>G (p.Pro333Arg)

Gene: ACTN2 (actinin alpha 2; plus strand). Cytogenetic location: 1q43.
Variant type: single nucleotide variant.
Coding change: c.998C>G on transcript NM_001103.4 (MANE Select); coding-DNA position 998, C replaced by G.
Protein change: p.Pro333Arg; replaces proline 333 with arginine.
Molecular consequence: missense variant.
Genome position (GRCh38, 1-based): chr1:236,739,423, C>G. VCF-style: chr1-236739423-C-G. GRCh37 (hg19) VCF-style: chr1-236902723-C-G.
Other names: c.998C>G, p.Pro333Arg (NM_001278343.2); c.374C>G, p.Pro125Arg (NM_001278344.2); c.248C>G, p.Pro83Arg (NM_001412150.1); short protein forms P83R, P125R, P333R.
Identifiers: ClinVar variation 2176038 (VCV002176038.4), dbSNP rs2527599624, ClinGen allele CA345380521.
Genomic context (GRCh38, chr1:236,739,423, plus strand): 5'-TGCAAGCCATGCAGAAGAAGCTGGAGGACTTCCGGGATTACCGCCGGAAGCACAAGCCAC[C>G]CAAGGTGCAGGAGAAATGCCAGCTGGAGATCAACTTCAACACGCTGCAGACCAAGCTGCG-3'
Protein context (NP_001094.1, residues 323-343): FRDYRRKHKP[Pro333Arg]KVQEKCQLEI